The following is an entry in ClinVar:

NM_139319.3(SLC17A8):c.188C>A (p.Pro63Gln)

Gene: SLC17A8 (solute carrier family 17 member 8; plus strand). Cytogenetic location: 12q23.1.
Variant type: single nucleotide variant.
Coding change: c.188C>A on transcript NM_139319.3 (MANE Select); coding-DNA position 188, C replaced by A.
Protein change: p.Pro63Gln; replaces proline 63 with glutamine.
Molecular consequence: missense variant.
Genome position (GRCh38, 1-based): chr12:100,380,787, C>A. VCF-style: chr12-100380787-C-A. GRCh37 (hg19) VCF-style: chr12-100774565-C-A.
Other names: c.188C>A, p.Pro63Gln (NM_001145288.2); short protein forms P63Q.
Identifiers: ClinVar variation 4979398 (VCV004979398.1).

ClinVar aggregate classification (germline): Uncertain significance (1 of 4 stars; one submission).

Conditions:
SLC17A8-related disorder. Also called: SLC17A8-related condition.

gnomAD v4.1: 25 of 1,614,032 alleles (0.0015%); highest among the groups gnomAD compares: South Asian, 0.0044%; no homozygotes.

Submission:

PreventionGenetics, part of Exact Sciences
Classification: Uncertain significance for SLC17A8-related condition. Last evaluated: 2026-01-15. Review status: criteria provided, single submitter. Criteria: ACMG Guidelines, 2015. Collection method: clinical testing. Allele origin: germline.
Comment: The SLC17A8 c.188C>A variant is predicted to result in the amino acid substitution p.Pro63Gln. To our knowledge, this variant has not been reported in the literature. This variant is reported in 0.0065% of alleles in individuals of South Asian descent in gnomAD. At this time, the clinical significance of this variant is uncertain due to the absence of conclusive functional and genetic evidence.